The following is an entry in ClinVar:

NM_000141.5(FGFR2):c.2449G>A (p.Gly817Ser)

Gene: FGFR2 (fibroblast growth factor receptor 2; minus strand). Cytogenetic location: 10q26.13.
Variant type: single nucleotide variant.
Coding change: c.2449G>A on transcript NM_000141.5 (MANE Select); coding-DNA position 2449, G replaced by A.
Protein change: p.Gly817Ser; replaces glycine 817 with serine.
Molecular consequence: missense variant. On other transcripts: 3 prime UTR variant (1), non-coding transcript variant (1), intron variant (1).
Genome position (GRCh38, 1-based): chr10:121,479,874, C>T on the plus strand (G>A on the coding strand, the complement: FGFR2 is on the minus strand). VCF-style: chr10-121479874-C-T. GRCh37 (hg19) VCF-style: chr10-123239388-C-T.
Other names: c.2113G>A, p.Gly705Ser (NM_001144914.1); c.2104G>A, p.Gly702Ser (NM_001144916.2, NM_001441090.1); c.2101G>A, p.Gly701Ser (NM_001144917.2); c.2098G>A, p.Gly700Ser (NM_001144918.2); c.1765G>A, p.Gly589Ser (NM_001320654.2); c.2443G>A, p.Gly815Ser (NM_001320658.2); c.2446G>A, p.Gly816Ser (NM_001441087.1); c.2179G>A, p.Gly727Ser (NM_001441088.1); and 5 more; short protein forms G589S, G700S, G701S, G702S, G705S, G726S, G727S, G728S.
Identifiers: ClinVar variation 4887551 (VCV004887551.1).

ClinVar aggregate classification (germline): Uncertain significance (1 of 4 stars; one submission).

gnomAD v4.1: 90 of 1,613,916 alleles (0.0056%); highest among the groups gnomAD compares: Middle Eastern, 0.016%; no homozygotes.

Submission:

Women's Health and Genetics/Laboratory Corporation of America, LabCorp
Classification: Uncertain significance. Last evaluated: 2026-06-03. Review status: criteria provided, single submitter. Criteria: LabCorp Variant Classification Summary - May 2015. Collection method: clinical testing. Allele origin: germline.
Comment: Variant summary: FGFR2 c.2449G>A (p.Gly817Ser) results in a non-conservative amino acid change in the encoded protein sequence. Algorithms developed to predict the effect of missense changes on protein structure and function are either unavailable or do not agree on the potential impact of this missense change. The variant allele was found at a frequency of 2.4e-05 in 251156 control chromosomes. The available data on variant occurrences in the general population are insufficient to allow any conclusion about variant significance. To our knowledge, no occurrence of c.2449G>A in individuals affected with FGFR2-related conditions and no experimental evidence demonstrating its impact on protein function have been reported. No submitters have cited clinical-significance assessments for this variant to ClinVar. Based on the evidence outlined above, the variant was classified as uncertain significance.